The following is an entry in ClinVar:

ClinVar aggregate classification (germline): Benign/Likely benign. Review status: criteria provided, multiple submitters, no conflicts (2 of 4 stars). 11 submissions from 11 submitters: Benign (6); Likely benign (3). 2 of the submissions do not count toward it. Last evaluated 2026-02-04.

Conditions:
Nemaline myopathy 2 (NEM2). Also called: Nemaline myopathy 2, autosomal recessive. Identifiers: MedGen C1850569, MONDO:0009725, OMIM 256030.

Allele frequency attached by ClinVar (database versions not stated): 1000 Genomes Project 30x 0.00687; 1000 Genomes Project 0.00739; TOPMed 0.01218; gnomAD 0.01403 and 0.01429; gnomAD exomes 0.01469 and 0.01972; ExAC 0.01493; ESP Exome Variant Server 0.01696.
gnomAD v4.1: 30,721 of 1,613,868 alleles (1.9%); highest among the groups gnomAD compares: Non-Finnish European, 2.3%; 360 homozygotes.

Submissions (11):

Labcorp Genetics (formerly Invitae), Labcorp
Classification: Benign for Nemaline myopathy 2. Last evaluated: 2026-02-04. Review status: criteria provided, single submitter. Criteria: Invitae Variant Classification Sherloc (09022015). Collection method: clinical testing. Allele origin: germline.

Blueprint Genetics
Classification: Likely benign. Last evaluated: 2024-11-25. Review status: criteria provided, single submitter. Criteria: ACMG Guidelines, 2015. Collection method: clinical testing. Allele origin: germline.

Athena Diagnostics
Classification: Benign. Last evaluated: 2024-02-05. Review status: criteria provided, single submitter. Criteria: Athena Diagnostics Criteria. Collection method: clinical testing. Allele origin: unknown.

Women's Health and Genetics/Laboratory Corporation of America, LabCorp
Classification: Likely benign. Last evaluated: 2022-02-05. Review status: criteria provided, single submitter. Criteria: LabCorp Variant Classification Summary - May 2015. Collection method: clinical testing. Allele origin: germline.

Mayo Clinic Laboratories, Mayo Clinic
Classification: Benign. Last evaluated: 2018-04-05. Review status: criteria provided, single submitter. Criteria: ACMG Guidelines, 2015. Collection method: clinical testing. Allele origin: germline. Observed: 22 variant alleles.

Illumina Laboratory Services, Illumina
Classification: Benign for Nemaline myopathy 2. Last evaluated: 2018-01-12. Review status: criteria provided, single submitter. Criteria: ICSL Variant Classification Criteria 13 December 2019. Collection method: clinical testing. Allele origin: germline.
Comment: This variant was observed in the ICSL laboratory as part of a predisposition screen in an ostensibly healthy population. It had not been previously curated by ICSL or reported in the Human Gene Mutation Database (HGMD: prior to June 1st, 2018), and was therefore a candidate for classification through an automated scoring system. Utilizing variant allele frequency, disease prevalence and penetrance estimates, and inheritance mode, an automated score was calculated to assess if this variant is too frequent to cause the disease. Based on the score and internal cut-off values, a variant classified as benign is not then subjected to further curation. The score for this variant resulted in a classification of benign for this disease.

GeneDx
Classification: Benign. Last evaluated: 2016-02-29. Review status: criteria provided, single submitter. Criteria: GeneDx Variant Classification (06012015). Collection method: clinical testing. Allele origin: germline. Affected: yes.
Comment: This variant is considered likely benign or benign based on one or more of the following criteria: it is a conservative change, it occurs at a poorly conserved position in the protein, it is predicted to be benign by multiple in silico algorithms, and/or has population frequency not consistent with disease.

Breakthrough Genomics
Classification: Likely benign. Review status: criteria provided, single submitter. Criteria: ACMG Guidelines, 2015. Collection method: not provided. Allele origin: germline. Inheritance: Autosomal recessive inheritance. Affected: yes.

PreventionGenetics, part of Exact Sciences
Classification: Benign. Review status: criteria provided, single submitter. Criteria: ACMG Guidelines, 2015. Collection method: clinical testing. Allele origin: germline.

Counsyl
Classification: Likely benign for Nemaline myopathy 2. Last evaluated: 2018-03-28. Review status: no assertion criteria provided. Collection method: clinical testing. Allele origin: unknown. Not counted in ClinVar's aggregate classification.

Genetic Services Laboratory, University of Chicago
Classification: Likely benign for AllHighlyPenetrant. Review status: no assertion criteria provided. Collection method: clinical testing. Allele origin: germline. Inheritance: Autosomal recessive inheritance. Not counted in ClinVar's aggregate classification.
Comment: Likely benign based on allele frequency in 1000 Genomes Project or ESP global frequency and its presence in a patient with a rare or unrelated disease phenotype. NOT Sanger confirmed.

Literature cited by the submitters: PubMed 25214167 (cited by Athena Diagnostics and Counsyl).

NM_001164508.2(NEB):c.11729A>G (p.Asp3910Gly)

Gene: NEB (nebulin; minus strand). Cytogenetic location: 2q23.3.
Variant type: single nucleotide variant.
Coding change: c.11729A>G on transcript NM_001164508.2 (MANE Select); coding-DNA position 11729, A replaced by G.
Protein change: p.Asp3910Gly; replaces aspartic acid 3910 with glycine.
Molecular consequence: missense variant.
Genome position (GRCh38, 1-based): chr2:151,612,262, T>C on the plus strand (A>G on the coding strand, the complement: NEB is on the minus strand). VCF-style: chr2-151612262-T-C. GRCh37 (hg19) VCF-style: chr2-152468776-T-C.
Other names: p.Asp3910Gly; c.11729A>G, p.Asp3910Gly (NM_001164507.2, NM_001271208.2); c.11000A>G, p.Asp3667Gly (NM_004543.5); short protein forms D3910G, D3667G.
Identifiers: ClinVar variation 129707 (VCV000129707.26), dbSNP rs35740585, ClinGen allele CA153884.